The following is an entry in ClinVar:

NM_024675.4(PALB2):c.15C>T (p.Pro5=)

Gene: PALB2 (partner and localizer of BRCA2; minus strand). Cytogenetic location: 16p12.2.
Variant type: single nucleotide variant.
Coding change: c.15C>T on transcript NM_024675.4 (MANE Select); coding-DNA position 15, C replaced by T.
Protein change: p.Pro5=; no amino-acid change (proline 5 retained).
Molecular consequence: synonymous variant.
Genome position (GRCh38, 1-based): chr16:23,641,143, G>A on the plus strand (C>T on the coding strand, the complement: PALB2 is on the minus strand). VCF-style: chr16-23641143-G-A. GRCh37 (hg19) VCF-style: chr16-23652464-G-A.
Identifiers: ClinVar variation 230191 (VCV000230191.25), dbSNP rs876658438, ClinGen allele CA10580065.

ClinVar aggregate classification (germline): Benign/Likely benign. Review status: criteria provided, multiple submitters, no conflicts (2 of 4 stars). 7 submissions from 7 submitters: Benign (2); Likely benign (5). Last evaluated 2025-11-16.

Conditions:
Hereditary cancer-predisposing syndrome. Also called: Hereditary neoplastic syndrome; Hereditary Cancer Syndrome; Neoplastic Syndromes, Hereditary; Tumor predisposition. Identifiers: Orphanet 140162, MedGen C0027672, MeSH D009386, MONDO:0015356.
Familial cancer of breast. Also called: Hereditary breast cancer; BREAST CANCER, FAMILIAL; hereditary breast carcinoma. Identifiers: Orphanet 227535, MedGen C0346153, MONDO:0016419, OMIM 114480. Disease mechanism: loss of function.

Allele frequency attached by ClinVar (database versions not stated): gnomAD exomes below 0.00001.
gnomAD v4.1: 2 of 1,613,250 alleles (0.00012%); highest among the groups gnomAD compares: Non-Finnish European, 0.000085%; no homozygotes.

Submissions (7):

Labcorp Genetics (formerly Invitae), Labcorp
Classification: Likely benign for Familial cancer of breast. Last evaluated: 2025-11-16. Review status: criteria provided, single submitter. Criteria: Invitae Variant Classification Sherloc (09022015). Collection method: clinical testing. Allele origin: germline.

Women's Health and Genetics/Laboratory Corporation of America, LabCorp
Classification: Likely benign. Last evaluated: 2025-06-16. Review status: criteria provided, single submitter. Criteria: LabCorp Variant Classification Summary - May 2015. Collection method: clinical testing. Allele origin: germline.

Quest Diagnostics Nichols Institute San Juan Capistrano
Classification: Likely benign. Last evaluated: 2025-02-17. Review status: criteria provided, single submitter. Criteria: Quest Diagnostics criteria. Collection method: clinical testing. Allele origin: unknown.

Myriad Genetics, Inc.
Classification: Benign for Familial cancer of breast. Last evaluated: 2025-01-09. Review status: criteria provided, single submitter. Criteria: Myriad Autosomal Dominant, Autosomal Recessive and X-Linked Classification Criteria (2023). Collection method: clinical testing. Allele origin: unknown.
Comment: This variant is considered benign. This variant is a silent/synonymous amino acid change and it is not expected to impact splicing.

Color Diagnostics, LLC DBA Color Health
Classification: Likely benign for Hereditary cancer-predisposing syndrome. Last evaluated: 2020-08-25. Review status: criteria provided, single submitter. Criteria: ACMG Guidelines, 2015. Collection method: clinical testing. Allele origin: germline.

GeneDx
Classification: Benign. Last evaluated: 2015-07-10. Review status: criteria provided, single submitter. Criteria: GeneDx Variant Classification Process June 2021. Collection method: clinical testing. Allele origin: germline. Affected: yes.

Ambry Genetics
Classification: Likely benign for Hereditary cancer-predisposing syndrome. Last evaluated: 2015-01-19. Review status: criteria provided, single submitter. Criteria: Ambry Variant Classification Scheme 2023. Collection method: clinical testing. Allele origin: germline.